The following is an entry in ClinVar:

NM_002430.3(MN1):c.3680G>A (p.Trp1227Ter)

Gene: MN1 (MN1 proto-oncogene, transcriptional regulator; minus strand). Cytogenetic location: 22q12.1.
Variant type: single nucleotide variant.
Coding change: c.3680G>A on transcript NM_002430.3 (MANE Select); coding-DNA position 3680, G replaced by A.
Protein change: p.Trp1227Ter; replaces tryptophan 1227 with a stop codon.
Molecular consequence: nonsense.
Genome position (GRCh38, 1-based): chr22:27,796,864, C>T on the plus strand (G>A on the coding strand, the complement: MN1 is on the minus strand). VCF-style: chr22-27796864-C-T. GRCh37 (hg19) VCF-style: chr22-28192852-C-T.
Other names: c.3680G>A (NM_002430.2); short protein forms W1227*.
Identifiers: ClinVar variation 1333278 (VCV001333278.4), dbSNP rs2146315211, ClinGen allele CA411041744.
Genomic context (GRCh38, chr22:27,796,864, plus strand): 5'-GGCGCCAACGTCTTGTCGTCGTCCGCGCTGTCCACCAGGGCCTTGTCAGCGGGCATGTAC[C>T]AGGCAGCGCTGTGCTCTGCCATCAGCGAGTCCAGGTCAATGGTGCTCATGGCGCTCTTGA-3'

ClinVar aggregate classification (germline): Likely pathogenic. Review status: criteria provided, single submitter (1 of 4 stars). 2 submissions from 2 submitters: Likely pathogenic (1). 1 of the submissions does not count toward it. Last evaluated 2022-01-03.

Conditions:
CEBALID syndrome (CEBALID). Also called: MN1 C-TERMINAL TRUNCATION SYNDROME; CRANIOFACIAL DEFECTS, DYSMORPHIC EARS, STRUCTURAL BRAIN ABNORMALITIES, EXPRESSIVE LANGUAGE DELAY, AND IMPAIRED INTELLECTUAL DEVELOPMENT. Identifiers: Orphanet 693549, MedGen C5394044, MONDO:0032908, OMIM 618774.

Submissions (2):

3billion
Classification: Likely pathogenic for CEBALID syndrome. Last evaluated: 2022-01-03. Review status: criteria provided, single submitter. Criteria: ACMG Guidelines, 2015. Collection method: clinical testing. Allele origin: germline. Affected: yes. Observed: 1 heterozygote.
Comment: Stop-gained (nonsense): predicted to result in a loss or disruption of normal protein function through nonsense-mediated decay (NMD) or protein truncation. Multiple pathogenic variants are reported downstream of the variant (PVS1_VS). It is not observed in the gnomAD v2.1.1 dataset (PM2_M). Therefore, this variant is classified as likely pathogenic according to the recommendation of ACMG/AMP guideline.

Institute of Human Genetics, University of Ulm
Classification: Likely pathogenic for CEBALID syndrome. Last evaluated: 2023-04-11. Review status: no assertion criteria provided. Collection method: research. Allele origin: germline. Inheritance: Autosomal dominant inheritance. Affected: yes. Observed: 2 variant alleles, 2 homozygotes. Not counted in ClinVar's aggregate classification.